The following is an entry in ClinVar:

NM_020987.5(ANK3):c.2414G>A (p.Arg805His)

Gene: ANK3 (ankyrin 3; minus strand). Cytogenetic location: 10q21.2.
Variant type: single nucleotide variant.
Coding change: c.2414G>A on transcript NM_020987.5 (MANE Select); coding-DNA position 2414, G replaced by A.
Protein change: p.Arg805His; replaces arginine 805 with histidine.
Molecular consequence: missense variant.
Genome position (GRCh38, 1-based): chr10:60,172,372, C>T on the plus strand (G>A on the coding strand, the complement: ANK3 is on the minus strand). VCF-style: chr10-60172372-C-T. GRCh37 (hg19) VCF-style: chr10-61932130-C-T.
Other names: c.2396G>A, p.Arg799His (NM_001204403.2); c.2363G>A, p.Arg788His (NM_001204404.2); c.2414G>A, p.Arg805His (NM_001320874.2); short protein forms R788H, R799H, R805H.
Identifiers: ClinVar variation 2187467 (VCV002187467.7), dbSNP rs1460956964, ClinGen allele CA376985071.

ClinVar aggregate classification (germline): Uncertain significance. Review status: criteria provided, multiple submitters, no conflicts (2 of 4 stars). 2 submissions from 2 submitters: Uncertain significance (2). Last evaluated 2025-03-31.

Conditions:
Inborn genetic diseases. Identifiers: MedGen C0950123, MeSH D030342.

Allele frequency attached by ClinVar (database versions not stated): gnomAD exomes 0.00002; gnomAD 0.00011; TOPMed 0.00012.
gnomAD v4.1: 40 of 1,613,992 alleles (0.0025%); highest among the groups gnomAD compares: Admixed American, 0.037%; no homozygotes.

Submissions (2):

Ambry Genetics
Classification: Uncertain significance for Inborn genetic diseases. Last evaluated: 2025-03-31. Review status: criteria provided, single submitter. Criteria: Ambry Variant Classification Scheme 2023. Collection method: clinical testing. Allele origin: germline.

Labcorp Genetics (formerly Invitae), Labcorp
Classification: Uncertain significance. Last evaluated: 2025-01-06. Review status: criteria provided, single submitter. Criteria: Invitae Variant Classification Sherloc (09022015). Collection method: clinical testing. Allele origin: germline.
Comment: This sequence change replaces arginine, which is basic and polar, with histidine, which is basic and polar, at codon 805 of the ANK3 protein (p.Arg805His). This variant is present in population databases (no rsID available, gnomAD 0.02%). This variant has not been reported in the literature in individuals affected with ANK3-related conditions. ClinVar contains an entry for this variant (Variation ID: 2187467). Invitae Evidence Modeling of protein sequence and biophysical properties (such as structural, functional, and spatial information, amino acid conservation, physicochemical variation, residue mobility, and thermodynamic stability) indicates that this missense variant is not expected to disrupt ANK3 protein function with a negative predictive value of 80%. In summary, the available evidence is currently insufficient to determine the role of this variant in disease. Therefore, it has been classified as a Variant of Uncertain Significance.